The following is an entry in ClinVar:

NM_012330.4(KAT6B):c.1805C>A (p.Ser602Tyr)

Gene: KAT6B (lysine acetyltransferase 6B; plus strand). Cytogenetic location: 10q22.2.
Variant type: single nucleotide variant.
Coding change: c.1805C>A on transcript NM_012330.4 (MANE Select); coding-DNA position 1805, C replaced by A.
Protein change: p.Ser602Tyr; replaces serine 602 with tyrosine.
Molecular consequence: missense variant. On other transcripts: intron variant (13).
Genome position (GRCh38, 1-based): chr10:74,976,142, C>A. VCF-style: chr10-74976142-C-A. GRCh37 (hg19) VCF-style: chr10-76735900-C-A.
Other names: c.1805C>A, p.Ser602Tyr (NM_001370136.1, NM_001370137.1); c.1117+688C>A (NM_001370139.1, NM_001370140.1, NM_001370141.1 and 3 more transcripts); c.1444+361C>A (NM_001370138.1, NM_001256468.2); c.846+6367C>A (NM_001370133.1); c.193-3082C>A (NM_001370134.1); c.929-1174C>A (NM_001370143.1, NM_001370144.1); c.193-12877C>A (NM_001370135.1); short protein forms S602Y.
Identifiers: ClinVar variation 2731249 (VCV002731249.3), dbSNP rs773974070, ClinGen allele CA377288417.

ClinVar aggregate classification (germline): Uncertain significance (1 of 4 stars; one submission).

Conditions:
Genitopatellar syndrome (GTPTS). Also called: ABSENT PATELLAE, SCROTAL HYPOPLASIA, RENAL ANOMALIES, FACIAL DYSMORPHISM, AND MENTAL RETARDATION; Genitopatellar syndrome (GPS). Identifiers: Orphanet 85201, MedGen C1853566, MONDO:0011640, OMIM 606170.

Submission:

Labcorp Genetics (formerly Invitae), Labcorp
Classification: Uncertain significance for Genitopatellar syndrome. Last evaluated: 2023-12-01. Review status: criteria provided, single submitter. Criteria: Invitae Variant Classification Sherloc (09022015). Collection method: clinical testing. Allele origin: germline.
Comment: This sequence change replaces serine, which is neutral and polar, with tyrosine, which is neutral and polar, at codon 602 of the KAT6B protein (p.Ser602Tyr). This variant is not present in population databases (gnomAD no frequency). This variant has not been reported in the literature in individuals affected with KAT6B-related conditions. An algorithm developed to predict the effect of missense changes on protein structure and function (PolyPhen-2) suggests that this variant is likely to be tolerated. In summary, the available evidence is currently insufficient to determine the role of this variant in disease. Therefore, it has been classified as a Variant of Uncertain Significance.